The following is an entry in ClinVar:

NM_024529.5(CDC73):c.-10G>T

Gene: CDC73 (cell division cycle 73; plus strand). Cytogenetic location: 1q31.2.
Variant type: single nucleotide variant.
Coding change: c.-10G>T on transcript NM_024529.5 (MANE Select); 10 bases upstream of the start codon, G replaced by T.
Molecular consequence: 5 prime UTR variant.
Genome position (GRCh38, 1-based): chr1:193,122,191, G>T. VCF-style: chr1-193122191-G-T. GRCh37 (hg19) VCF-style: chr1-193091321-G-T.
Identifiers: ClinVar variation 261739 (VCV000261739.9), dbSNP rs188082584, ClinGen allele CA1303232.
Genomic context (GRCh38, chr1:193,122,191, plus strand): 5'-CAAGAGAAGAAGGAGGCAGGCGCGGCGGCAGCGGCGGCGCCCCGAGCCGGCGGAGGCGAG[G>T]GGGGGGAAGATGGCGGACGTGCTTAGCGTCCTGCGACAGTACAACATCCAGAAGAAGGAG-3'

ClinVar aggregate classification (germline): Benign/Likely benign. Review status: criteria provided, multiple submitters, no conflicts (2 of 4 stars). 8 submissions from 6 submitters: Benign (5); Likely benign (3). Last evaluated 2025-09-03.

Conditions:
Hyperparathyroidism 2 with jaw tumors. Also called: Hyperparathyroidism 2; Hyperparathyroidism-Jaw Tumor Syndrome; HYPERPARATHYROIDISM, FAMILIAL PRIMARY, WITH MULTIPLE OSSIFYING JAW FIBROMAS; HYPERPARATHYROIDISM-JAW TUMOR SYNDROME, HEREDITARY. Identifiers: Orphanet 99880, MedGen C1704981, MONDO:0007768, OMIM 145001.
Parathyroid carcinoma (PRTC). Also called: CDC73-Related Parathyroid Carcinoma; Parathyroid gland carcinoma. Identifiers: Orphanet 143, MedGen C0687150, MONDO:0012004, OMIM 608266, HP:0006780.
Hyperparathyroidism 1 (HRPT1). Also called: HYPERPARATHYROIDISM, FAMILIAL ISOLATED PRIMARY. Identifiers: Orphanet 99879, MedGen C1840402, MONDO:0007767, OMIM 145000.

Allele frequency attached by ClinVar (database versions not stated): gnomAD 0.00024 and 0.00032; TOPMed 0.00082; ExAC 0.00084; 1000 Genomes Project 30x 0.00094; 1000 Genomes Project 0.00100.
gnomAD v4.1: 523 of 1,612,742 alleles (0.032%); highest among the groups gnomAD compares: East Asian, 0.69%; 4 homozygotes.

Submissions (8):

Mayo Clinic Laboratories, Mayo Clinic
Classification: Likely benign. Last evaluated: 2025-09-03. Review status: criteria provided, single submitter. Criteria: ACMG Guidelines, 2015. Collection method: clinical testing. Allele origin: germline. Observed: 1 variant allele.
Comment: BS1, BP7

Blueprint Genetics
Classification: Benign. Last evaluated: 2024-11-11. Review status: criteria provided, single submitter. Criteria: ACMG Guidelines, 2015. Collection method: clinical testing. Allele origin: germline.

Department of Pathology and Laboratory Medicine, Sinai Health System
Classification: Likely benign for hyperparathyroidism 2 with jaw tumors. Last evaluated: 2024-09-19. Review status: criteria provided, single submitter. Criteria: ACMG Guidelines, 2015. Collection method: clinical testing. Allele origin: germline.

Illumina Laboratory Services, Illumina
Classification: Benign for Parathyroid carcinoma. Last evaluated: 2018-01-13. Review status: criteria provided, single submitter. Criteria: ICSL Variant Classification Criteria 13 December 2019. Collection method: clinical testing. Allele origin: germline.
Comment: This variant was observed in the ICSL laboratory as part of a predisposition screen in an ostensibly healthy population. It had not been previously curated by ICSL or reported in the Human Gene Mutation Database (HGMD: prior to June 1st, 2018), and was therefore a candidate for classification through an automated scoring system. Utilizing variant allele frequency, disease prevalence and penetrance estimates, and inheritance mode, an automated score was calculated to assess if this variant is too frequent to cause the disease. Based on the score and internal cut-off values, a variant classified as benign is not then subjected to further curation. The score for this variant resulted in a classification of benign for this disease.

Illumina Laboratory Services, Illumina
Classification: Likely benign for Hyperparathyroidism 1. Last evaluated: 2018-01-13. Review status: criteria provided, single submitter. Criteria: ICSL Variant Classification Criteria 13 December 2019. Collection method: clinical testing. Allele origin: germline.
Comment: This variant was observed in the ICSL laboratory as part of a predisposition screen in an ostensibly healthy population. It had not been previously curated by ICSL or reported in the Human Gene Mutation Database (HGMD: prior to June 1st, 2018), and was therefore a candidate for classification through an automated scoring system. Utilizing variant allele frequency, disease prevalence and penetrance estimates, and inheritance mode, an automated score was calculated to assess if this variant is too frequent to cause the disease. Based on the score and internal cut-off values, a variant classified as likely benign is not then subjected to further curation. The score for this variant resulted in a classification of likely benign for this disease.

Illumina Laboratory Services, Illumina
Classification: Benign for Hyperparathyroidism 2 with jaw tumors. Last evaluated: 2018-01-13. Review status: criteria provided, single submitter. Criteria: ICSL Variant Classification Criteria 13 December 2019. Collection method: clinical testing. Allele origin: germline.
Comment: the same text as in the submission from Illumina Laboratory Services, Illumina above.

Women's Health and Genetics/Laboratory Corporation of America, LabCorp
Classification: Benign. Last evaluated: 2016-04-28. Review status: criteria provided, single submitter. Criteria: LabCorp Variant Classification Summary - May 2015. Collection method: clinical testing. Allele origin: germline.
Comment: Variant summary: The CDC73 c.-10G>T variant affects a conserved nucleotide in the 5UTR of the gene. Mutation Taster predicts damaging outcome for this variant. This variant was found in 100/119114 control chromosomes at a frequency of 0.0008395, which is about 207 times the maximal expected frequency of a pathogenic CDC73 allele (0.0000041), suggesting this variant is benign. The variant of interest has not, to our knowledge, been reported in affected individuals via publications and/or reputable databases/clinical laboratories; nor evaluated for functional impact by in vivo/vitro studies. Taken together, based on the prevalence of this variant in general population, this variant was classified as Benign.

PreventionGenetics, part of Exact Sciences
Classification: Benign. Review status: criteria provided, single submitter. Criteria: ACMG Guidelines, 2015. Collection method: clinical testing. Allele origin: germline.